The following is an entry in ClinVar:

ClinVar aggregate classification (germline): Likely pathogenic. Review status: criteria provided, multiple submitters, no conflicts (2 of 4 stars). 2 submissions from 2 submitters: Likely pathogenic (2). Last evaluated 2022-02-26.

Conditions:
Intellectual developmental disorder, autosomal dominant 39. Also called: Intellectual disability, autosomal dominant 39; Mental retardation, autosomal dominant 39. Identifiers: MedGen C4225296, MONDO:0014678, OMIM 616521.

Submissions (2):

MVZ Martinsried, Medicover Genetics
Classification: Likely pathogenic for Intellectual developmental disorder, autosomal dominant 39. Last evaluated: 2022-02-26. Review status: criteria provided, single submitter. Criteria: ACGS Guidelines, 2020. Collection method: clinical testing. Allele origin: maternal. Affected: yes.

MGZ Medical Genetics Center
Classification: Likely pathogenic for Intellectual developmental disorder, autosomal dominant 39. Last evaluated: 2021-11-25. Review status: criteria provided, single submitter. Criteria: ACMG Guidelines, 2015. Collection method: clinical testing. Allele origin: germline. Affected: yes. Observed: 1 variant allele.
Comment: ACMG criteria applied: PVS1, PM2_SUP

NM_001303052.2(MYT1L):c.557dup (p.Asp187fs)

Gene: MYT1L (myelin transcription factor 1 like; minus strand). Cytogenetic location: 2p25.3.
Variant type: Duplication.
Coding change: c.557dup on transcript NM_001303052.2 (MANE Select); coding-DNA position 557, one base duplicated (A; older notation c.557dupA).
Protein change: p.Asp187fs; shifts the reading frame from aspartic acid 187.
Molecular consequence: frameshift variant.
Genome position (GRCh38, 1-based): chr2:1,923,212, T duplicated on the plus strand (A on the coding strand, the reverse complement: MYT1L is on the minus strand); the first of 4 consecutive T bases (chr2:1,923,212-1,923,215); duplicating any one gives the same sequence. VCF-style (leftmost placement, unchanged base first): chr2-1923211-C-CT. GRCh37 (hg19) VCF-style: chr2-1926983-C-CT.
Other names: c.557dup, p.Asp187fs (NM_001329844.2, NM_001329845.1, NM_001329846.3 and 6 more transcripts); short protein forms D187fs.
Identifiers: ClinVar variation 1527887 (VCV001527887.3), dbSNP rs2149110899, ClinGen allele CA2573133091.